The following is an entry in ClinVar:

ClinVar aggregate classification (germline): Likely benign. Review status: criteria provided, multiple submitters, no conflicts (2 of 4 stars). 2 submissions from 2 submitters: Likely benign (2). Last evaluated 2025-08-20.

Conditions:
Epilepsy, childhood absence, susceptibility to, 1. Also called: Epilepsy, childhood absence 1. Identifiers: Orphanet 64280, MedGen C1838604, MONDO:0020759, OMIM 600131.
Epilepsy, childhood absence, susceptibility to, 5. Identifiers: Orphanet 64280, MedGen C2677087, MONDO:0012843, OMIM 612269.

Allele frequency attached by ClinVar (database versions not stated): gnomAD 0.00001; gnomAD exomes 0.00003; TOPMed 0.00003; ExAC 0.00004.
gnomAD v4.1: 13 of 1,540,602 alleles (0.00084%); highest among the groups gnomAD compares: Admixed American, 0.013%; no homozygotes.

Submissions (2):

Labcorp Genetics (formerly Invitae), Labcorp
Classification: Likely benign for Epilepsy, childhood absence, susceptibility to, 5; Epilepsy, childhood absence, susceptibility to, 1. Last evaluated: 2025-08-20. Review status: criteria provided, single submitter. Criteria: Invitae Variant Classification Sherloc (09022015). Collection method: clinical testing. Allele origin: germline.

GeneDx
Classification: Likely benign. Last evaluated: 2017-05-17. Review status: criteria provided, single submitter. Criteria: GeneDx Variant Classification (06012015). Collection method: clinical testing. Allele origin: germline. Affected: yes.
Comment: This variant is considered likely benign or benign based on one or more of the following criteria: it is a conservative change, it occurs at a poorly conserved position in the protein, it is predicted to be benign by multiple in silico algorithms, and/or has population frequency not consistent with disease.

NM_000814.6(GABRB3):c.81-11C>T

Gene: GABRB3 (gamma-aminobutyric acid type A receptor subunit beta3; minus strand). Cytogenetic location: 15q12.
Variant type: single nucleotide variant.
Coding change: c.81-11C>T on transcript NM_000814.6 (MANE Select); 11 bases into the intron before coding-DNA position 81, C replaced by T.
Molecular consequence: intron variant.
Genome position (GRCh38, 1-based): chr15:26,772,783, G>A on the plus strand (C>T on the coding strand, the complement: GABRB3 is on the minus strand). VCF-style: chr15-26772783-G-A. GRCh37 (hg19) VCF-style: chr15-27017930-G-A.
Other names: c.81-11C>T (NM_021912.5); c.-271-11C>T (NM_001278631.2).
Identifiers: ClinVar variation 382870 (VCV000382870.8), dbSNP rs759375301, ClinGen allele CA7437561.